The following is an entry in ClinVar:

ClinVar aggregate classification (germline): Uncertain significance. Review status: criteria provided, multiple submitters, no conflicts (2 of 4 stars). 2 submissions from 2 submitters: Uncertain significance (2). Last evaluated 2024-02-26.

Conditions:
Inborn genetic diseases. Identifiers: MedGen C0950123, MeSH D030342.

Allele frequency attached by ClinVar (database versions not stated): gnomAD exomes below 0.00001 and 0.00002; TOPMed below 0.00001.
gnomAD v4.1: 3 of 1,613,506 alleles (0.00019%); highest among the groups gnomAD compares: Non-Finnish European, 0.00025%; no homozygotes.

Submissions (2):

Ambry Genetics
Classification: Uncertain significance for Inborn genetic diseases. Last evaluated: 2024-02-26. Review status: criteria provided, single submitter. Criteria: Ambry Variant Classification Scheme 2023. Collection method: clinical testing. Allele origin: germline.

Labcorp Genetics (formerly Invitae), Labcorp
Classification: Uncertain significance. Last evaluated: 2022-08-15. Review status: criteria provided, single submitter. Criteria: Invitae Variant Classification Sherloc (09022015). Collection method: clinical testing. Allele origin: germline.
Comment: This sequence change replaces threonine, which is neutral and polar, with isoleucine, which is neutral and non-polar, at codon 1651 of the TUBGCP6 protein (p.Thr1651Ile). This variant is present in population databases (no rsID available, gnomAD 0.004%). This variant has not been reported in the literature in individuals affected with TUBGCP6-related conditions. ClinVar contains an entry for this variant (Variation ID: 846460). Algorithms developed to predict the effect of missense changes on protein structure and function are either unavailable or do not agree on the potential impact of this missense change (SIFT: "Tolerated"; PolyPhen-2: "Probably Damaging"; Align-GVGD: "Class C0"). In summary, the available evidence is currently insufficient to determine the role of this variant in disease. Therefore, it has been classified as a Variant of Uncertain Significance.

NM_020461.4(TUBGCP6):c.4952C>T (p.Thr1651Ile)

Gene: TUBGCP6 (tubulin gamma complex component 6; minus strand). Cytogenetic location: 22q13.33.
Variant type: single nucleotide variant.
Coding change: c.4952C>T on transcript NM_020461.4 (MANE Select); coding-DNA position 4952, C replaced by T.
Protein change: p.Thr1651Ile; replaces threonine 1651 with isoleucine.
Molecular consequence: missense variant.
Genome position (GRCh38, 1-based): chr22:50,218,490, G>A on the plus strand (C>T on the coding strand, the complement: TUBGCP6 is on the minus strand). VCF-style: chr22-50218490-G-A. GRCh37 (hg19) VCF-style: chr22-50656919-G-A.
Other names: short protein forms T1651I.
Identifiers: ClinVar variation 846460 (VCV000846460.5), dbSNP rs1231453610, ClinGen allele CA412165216.